The following is an entry in ClinVar:

NM_003579.4(RAD54L):c.2084A>C (p.Asp695Ala)

Genes: LRRC41 (leucine rich repeat containing 41; minus strand), RAD54L (RAD54 like; plus strand). Cytogenetic location: 1p34.1.
Variant type: single nucleotide variant.
Coding change: c.2084A>C on transcript NM_003579.4 (MANE Select); coding-DNA position 2084, A replaced by C.
Protein change: p.Asp695Ala; replaces aspartic acid 695 with alanine.
Molecular consequence: missense variant. On other transcripts: 3 prime UTR variant (1).
Genome position (GRCh38, 1-based): chr1:46,278,122, A>C. VCF-style: chr1-46278122-A-C. GRCh37 (hg19) VCF-style: chr1-46743794-A-C.
Other names: c.*743T>G (NM_006369.5); c.2084A>C, p.Asp695Ala (NM_001142548.2); c.1544A>C, p.Asp515Ala (NM_001370766.1); short protein forms D695A, D515A.
Identifiers: ClinVar variation 3312482 (VCV003312482.1).
Genomic context (GRCh38, chr1:46,278,122, plus strand): 5'-CTGTCCCTAGGTTGCACTGCCGACGTTGTGTCAACAGCCGTCAGATCCGGCCACCCCCTG[A>C]TGGTTCTGACTGCACTTCAGACCTGGCAGGGTGGAACCACTGCACTGATAAGTGGGGGCT-3'
Protein context (NP_003570.2, residues 685-705): VNSRQIRPPP[Asp695Ala]GSDCTSDLAG

ClinVar aggregate classification (germline): Uncertain significance (1 of 4 stars; one submission).

Submission:

Ambry Genetics
Classification: Uncertain significance. Last evaluated: 2024-05-25. Review status: criteria provided, single submitter. Criteria: Ambry Variant Classification Scheme 2023. Collection method: clinical testing. Allele origin: germline.
Comment: The p.D695A variant (also known as c.2084A>C), located in coding exon 18 of the RAD54L gene, results from an A to C substitution at nucleotide position 2084. The aspartic acid at codon 695 is replaced by alanine, an amino acid with dissimilar properties. This amino acid position is conserved. In addition, this alteration is predicted to be tolerated by in silico analysis. Based on the available evidence, the clinical significance of this variant remains unclear.